The following is an entry in ClinVar:

ClinVar aggregate classification (germline): Pathogenic. Review status: criteria provided, multiple submitters, no conflicts (2 of 4 stars). 2 submissions from 2 submitters: Pathogenic (2). Last evaluated 2021-11-06.

Conditions:
RP2-related disorder. Also called: RP2-related condition.

Submissions (2):

Blueprint Genetics
Classification: Pathogenic for RP2-related disorders. Last evaluated: 2021-11-06. Review status: criteria provided, single submitter. Criteria: ACMG Guidelines, 2015. Collection method: clinical testing. Allele origin: germline. Affected: yes. Observed: 2 variant alleles.

Labcorp Genetics (formerly Invitae), Labcorp
Classification: Pathogenic. Last evaluated: 2020-12-09. Review status: criteria provided, single submitter. Criteria: Invitae Variant Classification Sherloc (09022015). Collection method: clinical testing. Allele origin: germline.
Comment: For these reasons, this variant has been classified as Pathogenic. This variant disrupts the initiator methionine in RP2. If translation initiates from the next in-frame methionine, the RP2 protein would no longer include the region containing the p.Gly2 amino acid residue. Other variant(s) that disrupt this residue have been observed in individuals with RP2-related conditions (PMID: 16969763), which suggests that this residue is clinically significant, and that variants that disrupt this residue are likely to be disease-causing. Disruption of the initiator codon has been observed in individual(s) with retinal dystrophy (PMID: 26355662, 29847639, Invitae). It has also been observed to segregate with disease in related individuals. This variant is not present in population databases (ExAC no frequency). This sequence change affects the initiator methionine of the RP2 mRNA. The next in-frame methionine is located at codon 41.

Literature cited by the submitters: PubMed 16969763 (cited by Labcorp Genetics (formerly Invitae), Labcorp); PubMed 26355662 (cited by Labcorp Genetics (formerly Invitae), Labcorp); PubMed 29847639 (cited by Labcorp Genetics (formerly Invitae), Labcorp).

NM_006915.3(RP2):c.-5_8del (p.Met1fs)

Genes: RP2 (RP2 activator of ARL3 GTPase; plus strand), LOC130068202 (ATAC-STARR-seq lymphoblastoid active region 29577; plus strand). Cytogenetic location: Xp11.3.
Variant type: Deletion.
Coding change: c.-5_8del on transcript NM_006915.3 (MANE Select); 5 bases upstream of the start codon through coding-DNA position 8, 13 bases deleted (GGACCATGGGCTG).
Protein change: p.Met1fs; shifts the reading frame from methionine 1.
Molecular consequence: frameshift variant, initiator codon variant.
Genome position (GRCh38, 1-based): chrX:46,837,096-46,837,108, GGACCATGGGCTG deleted; deleting any 13 consecutive bases within chrX:46,837,090-46,837,108 gives the same sequence; the c. name uses the placement nearest the transcript's 3' end. VCF-style (leftmost placement, unchanged base first): chrX-46837089-CGGGCTGGGACCAT-C. GRCh37 (hg19) VCF-style: chrX-46696524-CGGGCTGGGACCAT-C.
Other names: short protein forms M1fs.
Identifiers: ClinVar variation 1384049 (VCV001384049.7), dbSNP rs2147074584, ClinGen allele CA2573158909.
Genomic context (GRCh38, chrX:46,837,089, plus strand): 5'-CCAGGGTTCACGCCACACTCTAGGAAGTGCCTGAGCTAGTGAGCTGGCCAACGAGCTCCG[CGGGCTGGGACCAT>C]GGGCTGCTTCTTCTCCAAGAGACGGAAGGCTGACAAGGAGTCGCGGCCCGAGAACGAGGA-3'